The following is an entry in ClinVar:

NM_015311.3(OBSL1):c.2023A>G (p.Lys675Glu)

Gene: OBSL1 (obscurin like cytoskeletal adaptor 1; minus strand). Cytogenetic location: 2q35.
Variant type: single nucleotide variant.
Coding change: c.2023A>G on transcript NM_015311.3 (MANE Select); coding-DNA position 2023, A replaced by G.
Protein change: p.Lys675Glu; replaces lysine 675 with glutamic acid.
Molecular consequence: missense variant.
Genome position (GRCh38, 1-based): chr2:219,566,941, T>C on the plus strand (A>G on the coding strand, the complement: OBSL1 is on the minus strand). VCF-style: chr2-219566941-T-C. GRCh37 (hg19) VCF-style: chr2-220431663-T-C.
Other names: c.2023A>G, p.Lys675Glu (NM_001173408.2, NM_001173431.2); short protein forms K675E.
Identifiers: ClinVar variation 1960430 (VCV001960430.4), dbSNP rs1295709290, ClinGen allele CA350754154.

ClinVar aggregate classification (germline): Uncertain significance (1 of 4 stars; one submission).

Allele frequency attached by ClinVar (database versions not stated): gnomAD exomes 0.00001.
gnomAD v4.1: 3 of 1,613,824 alleles (0.00019%); highest among the groups gnomAD compares: East Asian, 0.0045%; no homozygotes.

Submission:

Labcorp Genetics (formerly Invitae), Labcorp
Classification: Uncertain significance. Last evaluated: 2022-09-01. Review status: criteria provided, single submitter. Criteria: Invitae Variant Classification Sherloc (09022015). Collection method: clinical testing. Allele origin: germline.
Comment: This variant has not been reported in the literature in individuals affected with OBSL1-related conditions. Algorithms developed to predict the effect of missense changes on protein structure and function output the following: SIFT: "Tolerated"; PolyPhen-2: "Benign"; Align-GVGD: "Class C0". The glutamic acid amino acid residue is found in multiple mammalian species, which suggests that this missense change does not adversely affect protein function. In summary, the available evidence is currently insufficient to determine the role of this variant in disease. Therefore, it has been classified as a Variant of Uncertain Significance. This variant is present in population databases (no rsID available, gnomAD 0.01%). This sequence change replaces lysine, which is basic and polar, with glutamic acid, which is acidic and polar, at codon 675 of the OBSL1 protein (p.Lys675Glu).